The following is an entry in ClinVar:

ClinVar aggregate classification (germline): Uncertain significance (1 of 4 stars; one submission).

Submission:

GeneDx
Classification: Uncertain significance. Last evaluated: 2023-12-08. Review status: criteria provided, single submitter. Criteria: GeneDx Variant Classification Process June 2021. Collection method: clinical testing. Allele origin: germline. Affected: yes.
Comment: Not observed at significant frequency in large population cohorts (gnomAD); Intronic +5 splice site variant in a gene for which loss of function is a known mechanism of disease, and both splice predictors and evolutionary conservation support a deleterious effect, although in the absence of functional evidence the actual effect of this sequence change is unknown.; Has not been previously published as pathogenic or benign to our knowledge

NM_000719.7(CACNA1C):c.6117+5G>A

Genes: CACNA1C (calcium voltage-gated channel subunit alpha1 C; plus strand), CACNA1C-AS1 (CACNA1C antisense RNA 1; minus strand). Cytogenetic location: 12p13.33.
Variant type: single nucleotide variant.
Coding change: c.6117+5G>A on transcript NM_000719.7 (MANE Select); 5 bases into the intron after coding-DNA position 6117, G replaced by A.
Molecular consequence: intron variant.
Genome position (GRCh38, 1-based): chr12:2,688,784, G>A. VCF-style: chr12-2688784-G-A. GRCh37 (hg19) VCF-style: chr12-2797950-G-A.
Other names: c.6222+5G>A (NM_001167624.3, NM_001129830.3); c.6117+5G>A (NM_001167623.2, NM_001129840.2, NM_001129842.2 and 2 more transcripts); c.6297+5G>A (NM_001167625.2); c.6366+5G>A (NM_199460.4); c.6261+5G>A (NM_001129827.2); c.6177+5G>A (NM_001129832.2); c.6201+5G>A (NM_001129831.2); c.6174+5G>A (NM_001129833.2, NM_001129834.2, NM_001129835.2); and 6 more.
Identifiers: ClinVar variation 3365225 (VCV003365225.1).
Genomic context (GRCh38, chr12:2,688,784, plus strand): 5'-AGGCTGGGGCCCCAGGGAGGCAGTTCCACGGCAGTGCCAGCAGCCTGGTGGAAGCGGTAG[G>A]TGACTCGCAGATGGGCAGGGGGGAGAGGCCACGGGCAACAAGGGGACTTGGCATGCGGGG-3'